The following is an entry in ClinVar:

NM_005262.3(GFER):c.269A>G (p.Lys90Arg)

Gene: GFER (growth factor, augmenter of liver regeneration; plus strand). Cytogenetic location: 16p13.3.
Variant type: single nucleotide variant.
Coding change: c.269A>G on transcript NM_005262.3 (MANE Select); coding-DNA position 269, A replaced by G.
Protein change: p.Lys90Arg; replaces lysine 90 with arginine.
Molecular consequence: missense variant.
Genome position (GRCh38, 1-based): chr16:1,984,757, A>G. VCF-style: chr16-1984757-A-G. GRCh37 (hg19) VCF-style: chr16-2034758-A-G.
Other names: p.K90R:AAG>AGG; short protein forms K90R.
Identifiers: ClinVar variation 137460 (VCV000137460.6), dbSNP rs199651600, ClinGen allele CA291055.
Genomic context (GRCh38, chr16:1,984,757, plus strand): 5'-GCGCCTTTGTTCGGAGAATGAACTCACTCTCGGTCGGCCTGCTTCCGCAGCGGGACACCA[A>G]GTTTAGGGAGGACTGCCCGCCGGATCGCGAGGAACTGGGCCGCCACAGCTGGGCTGTCCT-3'
Protein context (NP_005253.3, residues 80-100): WMRTQQKRDT[Lys90Arg]FREDCPPDRE

ClinVar aggregate classification (germline): Benign/Likely benign. Review status: criteria provided, multiple submitters, no conflicts (2 of 4 stars). 2 submissions from 2 submitters: Benign (1); Likely benign (1). Last evaluated 2025-06-20.

Allele frequency attached by ClinVar (database versions not stated): gnomAD 0.00004 and 0.00008; TOPMed 0.00011; gnomAD exomes 0.00015 and 0.00026; ExAC 0.00029; 1000 Genomes Project 30x 0.00047; 1000 Genomes Project 0.00060.

Submissions (2):

Labcorp Genetics (formerly Invitae), Labcorp
Classification: Likely benign. Last evaluated: 2025-06-20. Review status: criteria provided, single submitter. Criteria: Invitae Variant Classification Sherloc (09022015). Collection method: clinical testing. Allele origin: germline.

GeneDx
Classification: Benign. Last evaluated: 2013-01-10. Review status: criteria provided, single submitter. Criteria: GeneDx Variant Classification (06012015). Collection method: clinical testing. Allele origin: germline. Affected: yes.
Comment: This variant is considered likely benign or benign based on one or more of the following criteria: it is a conservative change, it occurs at a poorly conserved position in the protein, it is predicted to be benign by multiple in silico algorithms, and/or has population frequency not consistent with disease.